The following is an entry in ClinVar:

ClinVar aggregate classification (germline): Uncertain significance (1 of 4 stars; one submission).

Conditions:
Rubinstein-Taybi syndrome (RSTS). Identifiers: Orphanet 783, MedGen C0035934, MONDO:0019188.

Submission:

Labcorp Genetics (formerly Invitae), Labcorp
Classification: Uncertain significance for Rubinstein-Taybi syndrome. Last evaluated: 2024-09-16. Review status: criteria provided, single submitter. Criteria: Invitae Variant Classification Sherloc (09022015). Collection method: clinical testing. Allele origin: germline.
Comment: This sequence change replaces glutamine, which is neutral and polar, with histidine, which is basic and polar, at codon 1259 of the CREBBP protein (p.Gln1259His). This variant is not present in population databases (gnomAD no frequency). This variant has not been reported in the literature in individuals affected with CREBBP-related conditions. Experimental studies and prediction algorithms are not available or were not evaluated, and the functional significance of this variant is currently unknown. In summary, the available evidence is currently insufficient to determine the role of this variant in disease. Therefore, it has been classified as a Variant of Uncertain Significance.

NM_004380.3(CREBBP):c.3777G>C (p.Gln1259His)

Gene: CREBBP (CREB binding lysine acetyltransferase; minus strand). Cytogenetic location: 16p13.3.
Variant type: single nucleotide variant.
Coding change: c.3777G>C on transcript NM_004380.3 (MANE Select); coding-DNA position 3777, G replaced by C.
Protein change: p.Gln1259His; replaces glutamine 1259 with histidine.
Molecular consequence: missense variant.
Genome position (GRCh38, 1-based): chr16:3,751,728, C>G on the plus strand (G>C on the coding strand, the complement: CREBBP is on the minus strand). VCF-style: chr16-3751728-C-G. GRCh37 (hg19) VCF-style: chr16-3801729-C-G.
Other names: c.3663G>C, p.Gln1221His (NM_001079846.1); short protein forms Q1221H, Q1259H.
Identifiers: ClinVar variation 3717277 (VCV003717277.2).